The following is an entry in ClinVar:

ClinVar aggregate classification (germline): Uncertain significance (1 of 4 stars; one submission).

Conditions:
Familial hemophagocytic lymphohistiocytosis 5. Also called: STXBP2-Related Familial Hemophagocytic Lymphohistiocytosis (STXBP2-fHLH). Identifiers: Orphanet 540, MedGen C2751293, MONDO:0013135, OMIM 613101.

gnomAD v4.1: 2 of 1,551,592 alleles (0.00013%); highest among the groups gnomAD compares: Middle Eastern, 0.02%; no homozygotes.

Submission:

Labcorp Genetics (formerly Invitae), Labcorp
Classification: Uncertain significance for Familial hemophagocytic lymphohistiocytosis 5. Last evaluated: 2025-01-15. Review status: criteria provided, single submitter. Criteria: Invitae Variant Classification Sherloc (09022015). Collection method: clinical testing. Allele origin: germline.
Comment: This sequence change replaces glutamine, which is neutral and polar, with arginine, which is basic and polar, at codon 175 of the STXBP2 protein (p.Gln175Arg). This variant is not present in population databases (gnomAD no frequency). This variant has not been reported in the literature in individuals affected with STXBP2-related conditions. Invitae Evidence Modeling of protein sequence and biophysical properties (such as structural, functional, and spatial information, amino acid conservation, physicochemical variation, residue mobility, and thermodynamic stability) indicates that this missense variant is not expected to disrupt STXBP2 protein function with a negative predictive value of 95%. In summary, the available evidence is currently insufficient to determine the role of this variant in disease. Therefore, it has been classified as a Variant of Uncertain Significance.

NM_006949.4(STXBP2):c.524A>G (p.Gln175Arg)

Gene: STXBP2 (syntaxin binding protein 2; plus strand). Cytogenetic location: 19p13.2.
Variant type: single nucleotide variant.
Coding change: c.524A>G on transcript NM_006949.4 (MANE Select); coding-DNA position 524, A replaced by G.
Protein change: p.Gln175Arg; replaces glutamine 175 with arginine.
Molecular consequence: missense variant. On other transcripts: non-coding transcript variant (1).
Genome position (GRCh38, 1-based): chr19:7,641,799, A>G. VCF-style: chr19-7641799-A-G. GRCh37 (hg19) VCF-style: chr19-7706685-A-G.
Other names: c.515A>G, p.Gln172Arg (NM_001127396.3); c.557A>G, p.Gln186Arg (NM_001272034.2); c.428A>G, p.Gln143Arg (NM_001414484.1); short protein forms Q143R, Q172R, Q175R, Q186R.
Identifiers: ClinVar variation 3695115 (VCV003695115.2).